The following is an entry in ClinVar:

ClinVar aggregate classification (germline): Uncertain significance (1 of 4 stars; one submission).

Conditions:
Inborn genetic diseases. Identifiers: MedGen C0950123, MeSH D030342.

gnomAD v4.1: 1 of 1,613,780 alleles (0.000062%); no homozygotes.

Submission:

Ambry Genetics
Classification: Uncertain significance for Inborn genetic diseases. Last evaluated: 2024-12-04. Review status: criteria provided, single submitter. Criteria: Ambry Variant Classification Scheme 2023. Collection method: clinical testing. Allele origin: germline.
Comment: The p.Q77E variant (also known as c.229C>G), located in coding exon 3 of the CEP57 gene, results from a C to G substitution at nucleotide position 229. The glutamine at codon 77 is replaced by glutamic acid, an amino acid with highly similar properties. This amino acid position is conserved. In addition, this alteration is predicted to be deleterious by in silico analysis. Based on the available evidence, the clinical significance of this variant remains unclear.

NM_014679.5(CEP57):c.229C>G (p.Gln77Glu)

Gene: CEP57 (centrosomal protein 57; plus strand). Cytogenetic location: 11q21.
Variant type: single nucleotide variant.
Coding change: c.229C>G on transcript NM_014679.5 (MANE Select); coding-DNA position 229, C replaced by G.
Protein change: p.Gln77Glu; replaces glutamine 77 with glutamic acid.
Molecular consequence: missense variant.
Genome position (GRCh38, 1-based): chr11:95,812,958, C>G. VCF-style: chr11-95812958-C-G. GRCh37 (hg19) VCF-style: chr11-95546122-C-G.
Other names: c.202C>G, p.Gln68Glu (NM_001243776.2); c.229C>G, p.Gln77Glu (NM_001243777.2); c.148C>G, p.Gln50Glu (NM_001363604.2); short protein forms Q50E, Q68E, Q77E.
Identifiers: ClinVar variation 3490849 (VCV003490849.1).